The following is an entry in ClinVar:

NM_001201427.2(DAAM2):c.2969G>T (p.Arg990Leu)

Gene: DAAM2 (dishevelled associated activator of morphogenesis 2; plus strand). Cytogenetic location: 6p21.2.
Variant type: single nucleotide variant.
Coding change: c.2969G>T on transcript NM_001201427.2 (MANE Select); coding-DNA position 2969, G replaced by T.
Protein change: p.Arg990Leu; replaces arginine 990 with leucine.
Molecular consequence: missense variant.
Genome position (GRCh38, 1-based): chr6:39,901,459, G>T. VCF-style: chr6-39901459-G-T. GRCh37 (hg19) VCF-style: chr6-39869235-G-T.
Other names: c.2966G>T, p.Arg989Leu (NM_015345.4); short protein forms R989L, R990L.
Identifiers: ClinVar variation 3044638 (VCV003044638.2), dbSNP rs199589116, ClinGen allele CA3795472.

ClinVar aggregate classification (germline): Likely benign (0 of 4 stars; one submission).

Conditions:
DAAM2-related disorder. Also called: DAAM2-related condition.

Allele frequency attached by ClinVar (database versions not stated): 1000 Genomes Project 0.00060; 1000 Genomes Project 30x 0.00078; ESP Exome Variant Server 0.00217.
gnomAD v4.1: 3,156 of 1,607,480 alleles (0.2%); highest among the groups gnomAD compares: Non-Finnish European, 0.22%; 7 homozygotes.

Submission:

PreventionGenetics, part of Exact Sciences
Classification: Likely benign for DAAM2-related condition. Last evaluated: 2022-05-24. Review status: no assertion criteria provided. Collection method: clinical testing. Allele origin: germline.
Comment: This variant is classified as likely benign based on ACMG/AMP sequence variant interpretation guidelines (Richards et al. 2015 PMID: 25741868, with internal and published modifications).